The following is an entry in ClinVar:

ClinVar aggregate classification (germline): Likely benign. Review status: criteria provided, multiple submitters, no conflicts (2 of 4 stars). 3 submissions from 3 submitters: Likely benign (2). 1 of the submissions does not count toward it. Last evaluated 2026-01-27.

Conditions:
Propionic acidemia (PROP). Also called: GLYCINEMIA, KETOTIC; HYPERGLYCINEMIA WITH KETOACIDOSIS AND LEUKOPENIA; KETOTIC HYPERGLYCINEMIA. Identifiers: Orphanet 35, MedGen C0268579, MONDO:0011628, OMIM 606054, HP:0003571.
PCCA-related disorder. Also called: PCCA-related condition.

Allele frequency attached by ClinVar (database versions not stated): gnomAD exomes 0.00004 and 0.00009; ExAC 0.00008; 1000 Genomes Project 0.00020; ESP Exome Variant Server 0.00023; gnomAD 0.00023 and 0.00026; TOPMed 0.00027; 1000 Genomes Project 30x 0.00031.
gnomAD v4.1: 90 of 1,606,956 alleles (0.0056%); highest among the groups gnomAD compares: African/African-American, 0.1%; no homozygotes.

Submissions (3):

Labcorp Genetics (formerly Invitae), Labcorp
Classification: Likely benign for Propionic acidemia. Last evaluated: 2026-01-27. Review status: criteria provided, single submitter. Criteria: Invitae Variant Classification Sherloc (09022015). Collection method: clinical testing. Allele origin: germline.

Breakthrough Genomics
Classification: Likely benign. Review status: criteria provided, single submitter. Criteria: ACMG Guidelines, 2015. Collection method: not provided. Allele origin: germline. Inheritance: Autosomal recessive inheritance. Affected: yes.

PreventionGenetics, part of Exact Sciences
Classification: Likely benign for PCCA-related condition. Last evaluated: 2019-05-27. Review status: no assertion criteria provided. Collection method: clinical testing. Allele origin: germline. Not counted in ClinVar's aggregate classification.
Comment: This variant is classified as likely benign based on ACMG/AMP sequence variant interpretation guidelines (Richards et al. 2015 PMID: 25741868, with internal and published modifications).

NM_000282.4(PCCA):c.606A>G (p.Ala202=)

Gene: PCCA (propionyl-CoA carboxylase subunit alpha; plus strand). Cytogenetic location: 13q32.3.
Variant type: single nucleotide variant.
Coding change: c.606A>G on transcript NM_000282.4 (MANE Select); coding-DNA position 606, A replaced by G.
Protein change: p.Ala202=; no amino-acid change (alanine 202 retained).
Molecular consequence: synonymous variant. On other transcripts: 5 prime UTR variant (3), non-coding transcript variant (5).
Genome position (GRCh38, 1-based): chr13:100,235,847, A>G. VCF-style: chr13-100235847-A-G. GRCh37 (hg19) VCF-style: chr13-100888101-A-G.
Other names: c.528A>G, p.Ala176= (NM_001127692.3, NM_001352607.2, NM_001352608.2); c.606A>G, p.Ala202= (NM_001178004.2, NM_001352605.2, NM_001352606.2 and 1 more transcripts); c.-261A>G (NM_001352610.2, NM_001352611.2, NM_001352612.2); c.606A>G (NM_000282.3).
Identifiers: ClinVar variation 1099007 (VCV001099007.12), dbSNP rs140082586, ClinGen allele CA7033296.